The following is an entry in ClinVar:

ClinVar aggregate classification (germline): Benign/Likely benign. Review status: criteria provided, multiple submitters, no conflicts (2 of 4 stars). 6 submissions from 6 submitters: Benign (1); Likely benign (2). 3 of the submissions do not count toward it. Last evaluated 2026-01-26.

Conditions:
NSDHL-related disorder. Also called: NSDHL-Related Disorders; NSDHL-related condition. Identifiers: MedGen CN381535.
CK syndrome. Also called: MENTAL RETARDATION, X-LINKED, WITH THIN BODY HABITUS AND CORTICAL MALFORMATION. Identifiers: Orphanet 251383, MedGen C3151781, MONDO:0010441, OMIM 300831.
Child syndrome. Also called: CHILD (Congenital Hemidysplasia with Ichthyosiform Nevus and Limb Defects) Syndrome. Identifiers: Orphanet 139, MedGen C0265267, MONDO:0010621, OMIM 308050.

Allele frequency attached by ClinVar (database versions not stated): gnomAD exomes 0.00006 and 0.00017; ExAC 0.00018; gnomAD 0.00041 and 0.00044; TOPMed 0.00049; ESP Exome Variant Server 0.00057.
gnomAD v4.1: 121 of 1,211,047 alleles (0.01%); highest among the groups gnomAD compares: African/African-American, 0.15%; no homozygotes.

Submissions (6):

Labcorp Genetics (formerly Invitae), Labcorp
Classification: Benign. Last evaluated: 2026-01-26. Review status: criteria provided, single submitter. Criteria: Invitae Variant Classification Sherloc (09022015). Collection method: clinical testing. Allele origin: germline.

Blueprint Genetics
Classification: Likely benign. Last evaluated: 2024-11-19. Review status: criteria provided, single submitter. Criteria: ACMG Guidelines, 2015. Collection method: clinical testing. Allele origin: germline.

Fulgent Genetics
Classification: Likely benign for CK syndrome; Child syndrome. Last evaluated: 2022-01-06. Review status: criteria provided, single submitter. Criteria: ACMG Guidelines, 2015. Collection method: clinical testing. Allele origin: unknown.

PreventionGenetics, part of Exact Sciences
Classification: Likely benign for NSDHL-related condition. Last evaluated: 2022-05-06. Review status: no assertion criteria provided. Collection method: clinical testing. Allele origin: germline. Not counted in ClinVar's aggregate classification.
Comment: This variant is classified as likely benign based on ACMG/AMP sequence variant interpretation guidelines (Richards et al. 2015 PMID: 25741868, with internal and published modifications).

Clinical Genetics DNA and cytogenetics Diagnostics Lab, Erasmus MC, Erasmus Medical Center
Classification: Likely benign. Review status: no assertion criteria provided. Collection method: clinical testing. Allele origin: germline. Affected: yes. Study: VKGL Data-share Consensus. Not counted in ClinVar's aggregate classification.

Genome Diagnostics Laboratory, University Medical Center Utrecht
Classification: Likely benign. Review status: no assertion criteria provided. Collection method: clinical testing. Allele origin: germline. Affected: yes. Study: VKGL Data-share Consensus. Not counted in ClinVar's aggregate classification.

NM_015922.3(NSDHL):c.678C>T (p.Phe226=)

Gene: NSDHL (NAD(P) dependent 3-beta-hydroxysteroid dehydrogenase NSDHL; plus strand). Cytogenetic location: Xq28.
Variant type: single nucleotide variant.
Coding change: c.678C>T on transcript NM_015922.3 (MANE Select); coding-DNA position 678, C replaced by T.
Protein change: p.Phe226=; no amino-acid change (phenylalanine 226 retained).
Molecular consequence: synonymous variant.
Genome position (GRCh38, 1-based): chrX:152,865,953, C>T. VCF-style: chrX-152865953-C-T. GRCh37 (hg19) VCF-style: chrX-152034497-C-T.
Other names: c.678C>T, p.Phe226= (NM_001129765.2).
Identifiers: ClinVar variation 703493 (VCV000703493.17), dbSNP rs147293409, ClinGen allele CA10544809.
Genomic context (GRCh38, chrX:152,865,953, plus strand): 5'-AAGGGACCCGCAGTTGGTACCCATCCTCATCGAGGCAGCCAGGAACGGCAAGATGAAGTT[C>T]GTGATTGGGTGAGTCAGCCCACAGCGGCTCTTCCCTAGTCCTTCCTGGTCCATGCTCGCA-3'
Protein context (NP_057006.1, residues 216-236): IEAARNGKMK[Phe226=]VIGNGKNLVD